The following is an entry in ClinVar:

ClinVar aggregate classification (germline): Benign/Likely benign. Review status: criteria provided, multiple submitters, no conflicts (2 of 4 stars). 16 submissions from 16 submitters: Benign (11); Likely benign (4). 1 of the submissions does not count toward it. Last evaluated 2026-05-01.

Conditions:
Juvenile polyposis syndrome (JPS). Identifiers: Orphanet 2929, MedGen C0345893, MONDO:0017380, OMIM 174900.
Polyposis syndrome, hereditary mixed, 2. Identifiers: Orphanet 157794, MedGen C1864730, MONDO:0012405, OMIM 610069.
Hereditary cancer-predisposing syndrome. Also called: Tumor predisposition; Hereditary neoplastic syndrome; Hereditary Cancer Syndrome; Neoplastic Syndromes, Hereditary. Identifiers: Orphanet 140162, MedGen C0027672, MeSH D009386, MONDO:0015356.

Allele frequency attached by ClinVar (database versions not stated): gnomAD exomes 0.00049; ExAC 0.00058; ESP Exome Variant Server 0.00131; gnomAD 0.00145 and 0.00153; TOPMed 0.00149; 1000 Genomes Project 30x 0.00265; 1000 Genomes Project 0.00300.
gnomAD v4.1: 545 of 1,614,170 alleles (0.034%); highest among the groups gnomAD compares: African/African-American, 0.53%; 2 homozygotes.

Submissions (16):

CeGaT Center for Human Genetics Tuebingen
Classification: Likely benign. Last evaluated: 2026-05-01. Review status: criteria provided, single submitter. Criteria: CeGaT Center For Human Genetics Tuebingen Variant Classification Criteria Version 2. Collection method: clinical testing. Allele origin: germline. Affected: yes. Observed: 4 variant alleles.
Comment: BMPR1A: BP4, BP7

Labcorp Genetics (formerly Invitae), Labcorp
Classification: Benign for Juvenile polyposis syndrome. Last evaluated: 2026-02-03. Review status: criteria provided, single submitter. Criteria: Invitae Variant Classification Sherloc (09022015). Collection method: clinical testing. Allele origin: germline.

Quest Diagnostics Nichols Institute San Juan Capistrano
Classification: Benign. Last evaluated: 2025-04-25. Review status: criteria provided, single submitter. Criteria: Quest Diagnostics criteria. Collection method: clinical testing. Allele origin: unknown.

Center for Genomic Medicine, Rigshospitalet, Copenhagen University Hospital
Classification: Likely benign. Last evaluated: 2025-03-04. Review status: criteria provided, single submitter. Criteria: ACMG Guidelines, 2015. Collection method: clinical testing. Allele origin: germline.

ARUP Laboratories, Molecular Genetics and Genomics, ARUP Laboratories
Classification: Benign. Last evaluated: 2024-12-26. Review status: criteria provided, single submitter. Criteria: ARUP Molecular Germline Variant Investigation Process 2024. Collection method: clinical testing. Allele origin: germline.

Blueprint Genetics
Classification: Likely benign. Last evaluated: 2024-11-25. Review status: criteria provided, single submitter. Criteria: ACMG Guidelines, 2015. Collection method: clinical testing. Allele origin: germline.

Myriad Genetics, Inc.
Classification: Benign for Juvenile polyposis syndrome. Last evaluated: 2024-08-07. Review status: criteria provided, single submitter. Criteria: Myriad Autosomal Dominant, Autosomal Recessive and X-Linked Classification Criteria (2023). Collection method: clinical testing. Allele origin: unknown.
Comment: This variant is considered benign. This variant is a silent/synonymous amino acid change and it is not expected to impact splicing.

All of Us Research Program, National Institutes of Health
Classification: Benign for Juvenile polyposis syndrome. Last evaluated: 2024-02-05. Review status: criteria provided, single submitter. Criteria: ACMG Guidelines, 2015. Collection method: clinical testing. Allele origin: germline. Inheritance: Autosomal dominant inheritance. Observed: 103 variant alleles, 103 heterozygotes.
Comment: This study involves interpretation of variants in research participants for the purpose of population health screening. Participant phenotype was not available at the time of variant classification. Additional details can be found in publication PMID: 35346344, PMCID: PMC8962531

Department of Pathology and Laboratory Medicine, Sinai Health System
Classification: Likely benign for Polyposis syndrome, hereditary mixed, 2; Juvenile polyposis syndrome. Last evaluated: 2024-02-05. Review status: criteria provided, single submitter. Criteria: ACMG Guidelines, 2015. Collection method: clinical testing. Allele origin: germline. Affected: yes.

KCCC/NGS Laboratory, Kuwait Cancer Control Center
Classification: Benign for Juvenile polyposis syndrome. Last evaluated: 2023-07-07. Review status: criteria provided, single submitter. Criteria: ACMG Guidelines, 2015. Collection method: clinical testing. Allele origin: germline. Affected: yes.

Sema4
Classification: Benign for Hereditary cancer-predisposing syndrome. Last evaluated: 2021-01-07. Review status: criteria provided, single submitter. Criteria: Sema4 Curation Guidelines. Collection method: curation. Allele origin: germline.

Color Diagnostics, LLC DBA Color Health
Classification: Benign for Hereditary cancer-predisposing syndrome. Last evaluated: 2016-03-21. Review status: criteria provided, single submitter. Criteria: ACMG Guidelines, 2015. Collection method: clinical testing. Allele origin: germline.

Ambry Genetics
Classification: Benign for Hereditary cancer-predisposing syndrome. Last evaluated: 2014-11-25. Review status: criteria provided, single submitter. Criteria: Ambry Variant Classification Scheme 2023. Collection method: clinical testing. Allele origin: germline.

GeneDx
Classification: Benign. Last evaluated: 2014-01-03. Review status: criteria provided, single submitter. Criteria: GeneDx Variant Classification (06012015). Collection method: clinical testing. Allele origin: germline. Affected: yes.
Comment: This variant is considered likely benign or benign based on one or more of the following criteria: it is a conservative change, it occurs at a poorly conserved position in the protein, it is predicted to be benign by multiple in silico algorithms, and/or has population frequency not consistent with disease.

Breakthrough Genomics
Classification: Benign. Review status: criteria provided, single submitter. Criteria: ACMG Guidelines, 2015. Collection method: not provided. Allele origin: germline. Inheritance: Autosomal dominant inheritance. Affected: yes.

True Health Diagnostics
Classification: Likely benign for Hereditary cancer-predisposing syndrome. Last evaluated: 2018-01-03. Review status: no assertion criteria provided. Collection method: clinical testing. Allele origin: germline. Not counted in ClinVar's aggregate classification.

NM_004329.3(BMPR1A):c.1299C>T (p.Phe433=)

Gene: BMPR1A (bone morphogenetic protein receptor type 1A; plus strand). Cytogenetic location: 10q23.2.
Variant type: single nucleotide variant.
Coding change: c.1299C>T on transcript NM_004329.3 (MANE Select); coding-DNA position 1299, C replaced by T.
Protein change: p.Phe433=; no amino-acid change (phenylalanine 433 retained).
Molecular consequence: synonymous variant.
Genome position (GRCh38, 1-based): chr10:86,921,652, C>T. VCF-style: chr10-86921652-C-T. GRCh37 (hg19) VCF-style: chr10-88681409-C-T.
Other names: p.F433F:TTC>TTT.
Identifiers: ClinVar variation 136525 (VCV000136525.65), dbSNP rs150946485, ClinGen allele CA294372.